The following is an entry in ClinVar:

ClinVar aggregate classification (germline): Uncertain significance. Review status: criteria provided, multiple submitters, no conflicts (2 of 4 stars). 2 submissions from 2 submitters: Uncertain significance (2). Last evaluated 2025-04-30.

Conditions:
Cardiovascular phenotype. Identifiers: MedGen CN230736.
Dilated cardiomyopathy 1JJ (CMD1JJ). Identifiers: Orphanet 154, MedGen C3808935, MONDO:0014095, OMIM 615235.

Allele frequency attached by ClinVar (database versions not stated): gnomAD 0.00001; TOPMed 0.00001.
gnomAD v4.1: 2 of 1,605,430 alleles (0.00012%); highest among the groups gnomAD compares: African/African-American, 0.0027%; no homozygotes.

Submissions (2):

Labcorp Genetics (formerly Invitae), Labcorp
Classification: Uncertain significance for Dilated cardiomyopathy 1JJ. Last evaluated: 2025-04-30. Review status: criteria provided, single submitter. Criteria: Invitae Variant Classification Sherloc (09022015). Collection method: clinical testing. Allele origin: germline.
Comment: This sequence change replaces tyrosine, which is neutral and polar, with phenylalanine, which is neutral and non-polar, at codon 887 of the LAMA4 protein (p.Tyr887Phe). This variant is not present in population databases (gnomAD no frequency). This variant has not been reported in the literature in individuals affected with LAMA4-related conditions. ClinVar contains an entry for this variant (Variation ID: 2421856). Invitae Evidence Modeling of protein sequence and biophysical properties (such as structural, functional, and spatial information, amino acid conservation, physicochemical variation, residue mobility, and thermodynamic stability) indicates that this missense variant is not expected to disrupt LAMA4 protein function with a negative predictive value of 80%. In summary, the available evidence is currently insufficient to determine the role of this variant in disease. Therefore, it has been classified as a Variant of Uncertain Significance.

Ambry Genetics
Classification: Uncertain significance for Cardiovascular phenotype. Last evaluated: 2024-10-19. Review status: criteria provided, single submitter. Criteria: Ambry Variant Classification Scheme 2023. Collection method: clinical testing. Allele origin: germline.
Comment: The p.Y887F variant (also known as c.2660A>T), located in coding exon 20 of the LAMA4 gene, results from an A to T substitution at nucleotide position 2660. The tyrosine at codon 887 is replaced by phenylalanine, an amino acid with highly similar properties. This amino acid position is conserved. In addition, the in silico prediction for this alteration is inconclusive. Based on the available evidence, the clinical significance of this variant remains unclear.

NM_001105206.3(LAMA4):c.2681A>T (p.Tyr894Phe)

Genes: LAMA4 (laminin subunit alpha 4; minus strand), LOC126859766 (MED14-independent group 3 enhancer GRCh37_chr6:112462018-112463217; plus strand). Cytogenetic location: 6q21.
Variant type: single nucleotide variant.
Coding change: c.2681A>T on transcript NM_001105206.3 (MANE Select); coding-DNA position 2681, A replaced by T.
Protein change: p.Tyr894Phe; replaces tyrosine 894 with phenylalanine.
Molecular consequence: missense variant.
Genome position (GRCh38, 1-based): chr6:112,141,490, T>A on the plus strand (A>T on the coding strand, the complement: LAMA4 is on the minus strand). VCF-style: chr6-112141490-T-A. GRCh37 (hg19) VCF-style: chr6-112462692-T-A.
Other names: c.2660A>T, p.Tyr887Phe (NM_001105207.3, NM_002290.5); short protein forms Y887F, Y894F.
Identifiers: ClinVar variation 2421856 (VCV002421856.6), dbSNP rs1355934211, ClinGen allele CA365380411.